The following is an entry in ClinVar:

NM_001317778.2(SFTPC):c.310T>C (p.Tyr104His)

Gene: SFTPC (surfactant protein C; plus strand). Cytogenetic location: 8p21.3.
Variant type: single nucleotide variant.
Coding change: c.310T>C on transcript NM_001317778.2 (MANE Select); coding-DNA position 310, T replaced by C.
Protein change: p.Tyr104His; replaces tyrosine 104 with histidine.
Molecular consequence: missense variant.
Genome position (GRCh38, 1-based): chr8:22,163,188, T>C. VCF-style: chr8-22163188-T-C. GRCh37 (hg19) VCF-style: chr8-22020701-T-C.
Other names: c.310T>C, p.Tyr104His (NM_001172357.2, NM_001172410.2, NM_001317780.2 and 8 more transcripts); c.151T>C, p.Tyr51His (NM_001317779.2, NM_001385660.1); short protein forms Y104H, Y51H.
Identifiers: ClinVar variation 1727742 (VCV001727742.2), dbSNP rs2538943784, ClinGen allele CA370537488.

ClinVar aggregate classification (germline): Uncertain significance (1 of 4 stars; one submission).

Conditions:
Hereditary pulmonary alveolar proteinosis. Also called: Pulmonary surfactant metabolism dysfunction. Identifiers: Orphanet 264675, MedGen C3711368, MONDO:0012580.

Submission:

Ambry Genetics
Classification: Uncertain significance for Hereditary pulmonary alveolar proteinosis. Last evaluated: 2016-07-22. Review status: criteria provided, single submitter. Criteria: Ambry Variant Classification Scheme 2023. Collection method: clinical testing. Allele origin: germline.
Comment: The p.Y104H variant (also known as c.310T>C), located in coding exon 3 of the SFTPC gene, results from a T to C substitution at nucleotide position 310. The tyrosine at codon 104 is replaced by histidine, an amino acid with similar properties. This alteration was reported in an infant with chronic lung disease of unknown etiology; no further details regarding medical or family history were provided (Nogee LM et al. Chest, 2002 Mar;121:20S-21S). This variant was not reported in population based cohorts in the following databases: Database of Single Nucleotide Polymorphisms (dbSNP), NHLBI Exome Sequencing Project (ESP), and 1000 Genomes Project. In the ESP, this variant was not observed in 6332 samples (12664 alleles) with coverage at this position. This amino acid position is highly conserved in available vertebrate species. In addition, this alteration is predicted to be deleterious by in silico analysis. Since supporting evidence is limited at this time, the clinical significance of this alteration remains unclear.

Literature cited by the submitters: PubMed 11893657.